The following is an entry in ClinVar:

NM_001466.4(FZD2):c.99C>G (p.Ile33Met)

Gene: FZD2 (frizzled class receptor 2; plus strand). Cytogenetic location: 17q21.31.
Variant type: single nucleotide variant.
Coding change: c.99C>G on transcript NM_001466.4 (MANE Select); coding-DNA position 99, C replaced by G.
Protein change: p.Ile33Met; replaces isoleucine 33 with methionine.
Molecular consequence: missense variant.
Genome position (GRCh38, 1-based): chr17:44,557,787, C>G. VCF-style: chr17-44557787-C-G. GRCh37 (hg19) VCF-style: chr17-42635155-C-G.
Other names: short protein forms I33M.
Identifiers: ClinVar variation 2089094 (VCV002089094.4), dbSNP rs1017947835, ClinGen allele CA290947468.

ClinVar aggregate classification (germline): Uncertain significance (1 of 4 stars; one submission).

Allele frequency attached by ClinVar (database versions not stated): TOPMed 0.00001.
gnomAD v4.1: 6 of 1,613,720 alleles (0.00037%); highest among the groups gnomAD compares: African/African-American, 0.0013%; no homozygotes.

Submission:

Labcorp Genetics (formerly Invitae), Labcorp
Classification: Uncertain significance. Last evaluated: 2022-02-24. Review status: criteria provided, single submitter. Criteria: Invitae Variant Classification Sherloc (09022015). Collection method: clinical testing. Allele origin: germline.
Comment: In summary, the available evidence is currently insufficient to determine the role of this variant in disease. Therefore, it has been classified as a Variant of Uncertain Significance. Algorithms developed to predict the effect of missense changes on protein structure and function are either unavailable or do not agree on the potential impact of this missense change (SIFT: "Deleterious"; PolyPhen-2: "Benign"; Align-GVGD: "Class C0"). This variant has not been reported in the literature in individuals affected with FZD2-related conditions. This variant is not present in population databases (gnomAD no frequency). This sequence change replaces isoleucine, which is neutral and non-polar, with methionine, which is neutral and non-polar, at codon 33 of the FZD2 protein (p.Ile33Met).